The following is an entry in ClinVar:

ClinVar aggregate classification (germline): Uncertain significance (1 of 4 stars; one submission).

Submission:

Labcorp Genetics (formerly Invitae), Labcorp
Classification: Uncertain significance. Last evaluated: 2022-03-26. Review status: criteria provided, single submitter. Criteria: Invitae Variant Classification Sherloc (09022015). Collection method: clinical testing. Allele origin: germline.
Comment: This sequence change falls in intron 7 of the CSGALNACT1 gene. It does not directly change the encoded amino acid sequence of the CSGALNACT1 protein. This variant is not present in population databases (gnomAD no frequency). This variant has not been reported in the literature in individuals affected with CSGALNACT1-related conditions. Algorithms developed to predict the effect of sequence changes on RNA splicing suggest that this variant may disrupt the consensus splice site. In summary, the available evidence is currently insufficient to determine the role of this variant in disease. Therefore, it has been classified as a Variant of Uncertain Significance.

NM_001354483.2(CSGALNACT1):c.1133-9G>A

Gene: CSGALNACT1 (chondroitin sulfate N-acetylgalactosaminyltransferase 1; minus strand). Cytogenetic location: 8p21.3.
Variant type: single nucleotide variant.
Coding change: c.1133-9G>A on transcript NM_001354483.2 (MANE Select); 9 bases into the intron before coding-DNA position 1133, G replaced by A.
Molecular consequence: intron variant.
Genome position (GRCh38, 1-based): chr8:19,418,759, C>T on the plus strand (G>A on the coding strand, the complement: CSGALNACT1 is on the minus strand). VCF-style: chr8-19418759-C-T. GRCh37 (hg19) VCF-style: chr8-19276270-C-T.
Other names: c.1133-9G>A (NM_001354476.2, NM_001354481.2, NM_001354477.2 and 18 more transcripts).
Identifiers: ClinVar variation 2117592 (VCV002117592.3), dbSNP rs2057368387, ClinGen allele CA2580078032.